The following is an entry in ClinVar:

NM_013352.4(DSE):c.2538_2541del (p.Lys846fs)

Gene: DSE (dermatan sulfate epimerase; plus strand). Cytogenetic location: 6q22.1.
Variant type: Microsatellite.
Coding change: c.2538_2541del on transcript NM_013352.4 (MANE Select); coding-DNA positions 2538 to 2541, 4 bases deleted (AGAA; older notation c.2538_2541delAGAA).
Protein change: p.Lys846fs; shifts the reading frame from lysine 846.
Molecular consequence: frameshift variant. On other transcripts: 3 prime UTR variant (2), non-coding transcript variant (1).
Genome position (GRCh38, 1-based): chr6:116,437,006-116,437,009, AGAA deleted; deleting any 4 consecutive bases within chr6:116,437,002-116,437,009 gives the same sequence; the c. name uses the placement nearest the transcript's 3' end. VCF-style (leftmost placement, unchanged base first): chr6-116437001-CAGAA-C. GRCh37 (hg19) VCF-style: chr6-116758164-CAGAA-C.
Other names: c.2538_2541del, p.Lys846fs (NM_001080976.3, NM_001322937.2, NM_001322938.2); c.2595_2598del, p.Lys865fs (NM_001322939.2); c.1977_1980del, p.Lys659fs (NM_001322940.2, NM_001322941.2); c.*1399AGAA[1] (NM_001322943.2, NM_001322944.2); c.1539_1542del, p.Lys513fs (NM_001374520.1); c.1503_1506del, p.Lys501fs (NM_001374521.1); short protein forms K501fs, K513fs, K659fs, K846fs, K865fs.
Identifiers: ClinVar variation 1690440 (VCV001690440.2), dbSNP rs1784207138, ClinGen allele CA1657231789.
Genomic context (GRCh38, chr6:116,437,001, plus strand): 5'-ATTTTTGCACAGATTGAAGTCAATGAGAAAAAGATTAGACAGAAAGCTCAGATTTTGGCA[CAGAA>C]AGAACTACCCATAGATGAAGATGAAGAAATGAAAGACCTTTTAGATTTTGCAGATGTAAC-3'

ClinVar aggregate classification (germline): Likely pathogenic (1 of 4 stars; one submission).

Submission:

Laboratorio de Genetica e Diagnostico Molecular, Hospital Israelita Albert Einstein
Classification: Likely pathogenic. Last evaluated: 2021-09-15. Review status: criteria provided, single submitter. Criteria: ACMG Guidelines, 2015. Collection method: clinical testing. Allele origin: germline. Affected: yes.
Comment: ACMG classification criteria: PVS1, PM2